The following is an entry in ClinVar:

ClinVar aggregate classification (germline): Conflicting classifications of pathogenicity. Review status: criteria provided, conflicting classifications (1 of 4 stars). 4 submissions from 4 submitters: Uncertain significance (3); Likely benign (1). Last evaluated 2025-03-20.

Conditions:
Inborn genetic diseases. Identifiers: MedGen C0950123, MeSH D030342.

Allele frequency attached by ClinVar (database versions not stated): gnomAD exomes below 0.00001; ExAC 0.00001; gnomAD 0.00001; TOPMed 0.00001.
gnomAD v4.1: 3 of 1,612,888 alleles (0.00019%); highest among the groups gnomAD compares: East Asian, 0.0022%; no homozygotes.

Submissions (4):

Ambry Genetics
Classification: Uncertain significance for Inborn genetic diseases. Last evaluated: 2025-03-20. Review status: criteria provided, single submitter. Criteria: Ambry Variant Classification Scheme 2023. Collection method: clinical testing. Allele origin: germline.

Labcorp Genetics (formerly Invitae), Labcorp
Classification: Uncertain significance. Last evaluated: 2024-01-29. Review status: criteria provided, single submitter. Criteria: Invitae Variant Classification Sherloc (09022015). Collection method: clinical testing. Allele origin: germline.
Comment: This sequence change replaces serine, which is neutral and polar, with phenylalanine, which is neutral and non-polar, at codon 408 of the FGFR3 protein (p.Ser408Phe). The frequency data for this variant in the population databases is considered unreliable, as metrics indicate poor data quality at this position in the gnomAD database. This variant has not been reported in the literature in individuals affected with FGFR3-related conditions. ClinVar contains an entry for this variant (Variation ID: 255326). Advanced modeling of protein sequence and biophysical properties (such as structural, functional, and spatial information, amino acid conservation, physicochemical variation, residue mobility, and thermodynamic stability) performed at Invitae indicates that this missense variant is not expected to disrupt FGFR3 protein function with a negative predictive value of 95%. In summary, the available evidence is currently insufficient to determine the role of this variant in disease. Therefore, it has been classified as a Variant of Uncertain Significance.

Blueprint Genetics
Classification: Uncertain significance. Last evaluated: 2019-02-01. Review status: criteria provided, single submitter. Criteria: ACMG Guidelines, 2015. Collection method: clinical testing. Allele origin: germline.

PreventionGenetics, part of Exact Sciences
Classification: Likely benign. Review status: criteria provided, single submitter. Criteria: ACMG Guidelines, 2015. Collection method: clinical testing. Allele origin: germline.

NM_000142.5(FGFR3):c.1223C>T (p.Ser408Phe)

Gene: FGFR3 (fibroblast growth factor receptor 3; plus strand). Cytogenetic location: 4p16.3.
Variant type: single nucleotide variant.
Coding change: c.1223C>T on transcript NM_000142.5 (MANE Select); coding-DNA position 1223, C replaced by T.
Protein change: p.Ser408Phe; replaces serine 408 with phenylalanine.
Molecular consequence: missense variant. On other transcripts: non-coding transcript variant (1), intron variant (1).
Genome position (GRCh38, 1-based): chr4:1,804,477, C>T. VCF-style: chr4-1804477-C-T. GRCh37 (hg19) VCF-style: chr4-1806204-C-T.
Other names: c.1229C>T, p.Ser410Phe (NM_001163213.2); c.1223C>T, p.Ser408Phe (NM_001354809.2, NM_001354810.2); c.931-347C>T (NM_022965.4); short protein forms S408F, S410F.
Identifiers: ClinVar variation 255326 (VCV000255326.13), dbSNP rs761877926, ClinGen allele CA2810306.